The following is an entry in ClinVar:

NM_018669.6(WDR4):c.188C>T (p.Ala63Val)

Gene: WDR4 (WDR4 tRNA N7-guanosine methyltransferase non-catalytic subunit; minus strand). Cytogenetic location: 21q22.3.
Variant type: single nucleotide variant.
Coding change: c.188C>T on transcript NM_018669.6 (MANE Select); coding-DNA position 188, C replaced by T.
Protein change: p.Ala63Val; replaces alanine 63 with valine.
Molecular consequence: missense variant. On other transcripts: 5 prime UTR variant (3), non-coding transcript variant (1).
Genome position (GRCh38, 1-based): chr21:42,873,659, G>A on the plus strand (C>T on the coding strand, the complement: WDR4 is on the minus strand). VCF-style: chr21-42873659-G-A. GRCh37 (hg19) VCF-style: chr21-44293769-G-A.
Other names: c.188C>T (NM_018669.4); c.188C>T, p.Ala63Val (NM_001260474.2, NM_033661.5); c.-199C>T (NM_001260475.2, NM_001260476.2, NM_001260477.2 and 1 more transcripts); short protein forms A63V.
Identifiers: ClinVar variation 1806831 (VCV001806831.8), dbSNP rs370450877, ClinGen allele CA10046224.

ClinVar aggregate classification (germline): Conflicting classifications of pathogenicity. Review status: criteria provided, conflicting classifications (1 of 4 stars). 4 submissions from 4 submitters: Uncertain significance (1); Likely benign (3). Last evaluated 2025-12-01.

Conditions:
WDR4-related disorder. Also called: WDR4-related condition; WDR4-Related Disorders.
Inborn genetic diseases. Identifiers: MedGen C0950123, MeSH D030342.

Allele frequency attached by ClinVar (database versions not stated): gnomAD exomes 0.00019; ESP Exome Variant Server 0.00023; ExAC 0.00028.
gnomAD v4.1: 337 of 1,613,994 alleles (0.021%); highest among the groups gnomAD compares: Admixed American, 0.033%; no homozygotes.

Submissions (4):

Labcorp Genetics (formerly Invitae), Labcorp
Classification: Likely benign. Last evaluated: 2025-12-01. Review status: criteria provided, single submitter. Criteria: Invitae Variant Classification Sherloc (09022015). Collection method: clinical testing. Allele origin: germline.

PreventionGenetics, part of Exact Sciences
Classification: Likely benign for WDR4-related condition. Last evaluated: 2025-06-24. Review status: criteria provided, single submitter. Criteria: ACMG Guidelines, 2015. Collection method: clinical testing. Allele origin: germline.
Comment: This variant is classified as likely benign based on ACMG/AMP sequence variant interpretation guidelines (Richards et al. 2015 PMID: 25741868, with internal and published modifications).

GeneDx
Classification: Uncertain significance. Last evaluated: 2022-06-23. Review status: criteria provided, single submitter. Criteria: GeneDx Variant Classification Process June 2021. Collection method: clinical testing. Allele origin: germline. Affected: yes.
Comment: In silico analysis supports that this missense variant does not alter protein structure/function; Has not been previously published as pathogenic or benign to our knowledge

Ambry Genetics
Classification: Likely benign for Inborn genetic diseases. Last evaluated: 2022-03-22. Review status: criteria provided, single submitter. Criteria: Ambry Variant Classification Scheme 2023. Collection method: clinical testing. Allele origin: germline.